The following is an entry in ClinVar:

ClinVar aggregate classification (germline): Uncertain significance (1 of 4 stars; one submission).

Conditions:
Duchenne muscular dystrophy (DMD). Also called: MUSCULAR DYSTROPHY, PSEUDOHYPERTROPHIC PROGRESSIVE, DUCHENNE TYPE; Duchenne Muscular Dystrophy (DMD). Identifiers: Orphanet 98896, MedGen C0013264, MONDO:0010679, OMIM 310200.

Allele frequency attached by ClinVar (database versions not stated): ExAC 0.00001; gnomAD 0.00001.
gnomAD v4.1: 1 of 1,210,019 alleles (0.000083%); highest among the groups gnomAD compares: Non-Finnish European, 0.00011%; no homozygotes.

Submission:

Labcorp Genetics (formerly Invitae), Labcorp
Classification: Uncertain significance for Duchenne muscular dystrophy. Last evaluated: 2024-01-25. Review status: criteria provided, single submitter. Criteria: Invitae Variant Classification Sherloc (09022015). Collection method: clinical testing. Allele origin: germline.
Comment: This sequence change replaces leucine, which is neutral and non-polar, with serine, which is neutral and polar, at codon 2779 of the DMD protein (p.Leu2779Ser). This variant is present in population databases (rs768376835, gnomAD 0.001%). This variant has not been reported in the literature in individuals affected with DMD-related conditions. Advanced modeling of protein sequence and biophysical properties (such as structural, functional, and spatial information, amino acid conservation, physicochemical variation, residue mobility, and thermodynamic stability) performed at Invitae indicates that this missense variant is not expected to disrupt DMD protein function with a negative predictive value of 95%. In summary, the available evidence is currently insufficient to determine the role of this variant in disease. Therefore, it has been classified as a Variant of Uncertain Significance.

NM_004006.3(DMD):c.8336T>C (p.Leu2779Ser)

Gene: DMD (dystrophin; minus strand). Cytogenetic location: Xp21.1.
Variant type: single nucleotide variant.
Coding change: c.8336T>C on transcript NM_004006.3 (MANE Select); coding-DNA position 8336, T replaced by C.
Protein change: p.Leu2779Ser; replaces leucine 2779 with serine.
Molecular consequence: missense variant.
Genome position (GRCh38, 1-based): chrX:31,507,335, A>G on the plus strand (T>C on the coding strand, the complement: DMD is on the minus strand). VCF-style: chrX-31507335-A-G. GRCh37 (hg19) VCF-style: chrX-31525452-A-G.
Other names: c.8312T>C, p.Leu2771Ser (NM_000109.4); c.8324T>C, p.Leu2775Ser (NM_004009.3); c.7967T>C, p.Leu2656Ser (NM_004010.3); c.4313T>C, p.Leu1438Ser (NM_004011.4); c.4304T>C, p.Leu1435Ser (NM_004012.4); c.956T>C, p.Leu319Ser (NM_004013.3, NM_004020.4, NM_004021.3 and 2 more transcripts); c.149T>C, p.Leu50Ser (NM_004014.3); short protein forms L1435S, L1438S, L2779S, L2656S, L319S, L50S, L2775S, L2771S.
Identifiers: ClinVar variation 2711446 (VCV002711446.3), dbSNP rs768376835, ClinGen allele CA10378091.